The following is an entry in ClinVar:

NM_001201407.2(ZNF778):c.*4543A>G

Gene: ZNF778 (zinc finger protein 778; plus strand). Cytogenetic location: 16q24.3.
Variant type: single nucleotide variant.
Coding change: c.*4543A>G on transcript NM_001201407.2 (MANE Select); 4543 bases downstream of the stop codon, A replaced by G.
Molecular consequence: 3 prime UTR variant. On other transcripts: non-coding transcript variant (1).
Genome position (GRCh38, 1-based): chr16:89,233,105, A>G. VCF-style: chr16-89233105-A-G. GRCh37 (hg19) VCF-style: chr16-89299513-A-G.
Other names: c.*4543A>G (NM_001378881.1, NM_182531.5).
Identifiers: ClinVar variation 2647052 (VCV002647052.24), dbSNP rs75364320, ClinGen allele CA8240747.

ClinVar aggregate classification (germline): Likely benign (1 of 4 stars; one submission).

Allele frequency attached by ClinVar (database versions not stated): gnomAD 0.00267; ExAC 0.00837.

Submission:

CeGaT Center for Human Genetics Tuebingen
Classification: Likely benign. Last evaluated: 2022-12-01. Review status: criteria provided, single submitter. Criteria: CeGaT Center For Human Genetics Tuebingen Variant Classification Criteria Version 2. Collection method: clinical testing. Allele origin: germline. Affected: yes. Observed: 2 variant alleles.
Comment: ZNF778: BS2